The following is an entry in ClinVar:

ClinVar aggregate classification (germline): Uncertain significance. Review status: criteria provided, multiple submitters, no conflicts (2 of 4 stars). 3 submissions from 3 submitters: Uncertain significance (2). 1 of the submissions does not count toward it. Last evaluated 2025-01-24.

Conditions:
Maple syrup urine disease (MSUD). Identifiers: Orphanet 511, MedGen C0024776, MeSH D008375, MONDO:0009563. Disease mechanism: loss of function.
Maple syrup urine disease type 1B (MSUD1B). Also called: MSUD type IB; MSUD type 3 (formerly); MSUD due to deficiency of e1-beta subunit of branched-chain alpha-keto acid dehydrogenase complex. Identifiers: MedGen C2930990, MONDO:0023692, OMIM 620698.
Inborn genetic diseases. Identifiers: MedGen C0950123, MeSH D030342.

Allele frequency attached by ClinVar (database versions not stated): TOPMed 0.00013; ExAC 0.00014.
gnomAD v4.1: 60 of 1,551,588 alleles (0.0039%); highest among the groups gnomAD compares: African/African-American, 0.067%; no homozygotes.

Submissions (3):

Ambry Genetics
Classification: Uncertain significance for Inborn genetic diseases. Last evaluated: 2025-01-24. Review status: criteria provided, single submitter. Criteria: Ambry Variant Classification Scheme 2023. Collection method: clinical testing. Allele origin: germline.

Labcorp Genetics (formerly Invitae), Labcorp
Classification: Uncertain significance for Maple syrup urine disease. Last evaluated: 2024-11-04. Review status: criteria provided, single submitter. Criteria: Invitae Variant Classification Sherloc (09022015). Collection method: clinical testing. Allele origin: germline.
Comment: This sequence change replaces valine, which is neutral and non-polar, with isoleucine, which is neutral and non-polar, at codon 4 of the BCKDHB protein (p.Val4Ile). This variant is present in population databases (rs774255890, gnomAD 0.06%). This variant has not been reported in the literature in individuals affected with BCKDHB-related conditions. ClinVar contains an entry for this variant (Variation ID: 966957). Experimental studies and prediction algorithms are not available or were not evaluated, and the functional significance of this variant is currently unknown. In summary, the available evidence is currently insufficient to determine the role of this variant in disease. Therefore, it has been classified as a Variant of Uncertain Significance.

Natera, Inc.
Classification: Uncertain significance for Maple syrup urine disease type 1B. Last evaluated: 2020-07-23. Review status: no assertion criteria provided. Collection method: clinical testing. Allele origin: germline. Not counted in ClinVar's aggregate classification.

NM_183050.4(BCKDHB):c.10G>A (p.Val4Ile)

Gene: BCKDHB (branched chain keto acid dehydrogenase E1 subunit beta; plus strand). Cytogenetic location: 6q14.1.
Variant type: single nucleotide variant.
Coding change: c.10G>A on transcript NM_183050.4 (MANE Select); coding-DNA position 10, G replaced by A.
Protein change: p.Val4Ile; replaces valine 4 with isoleucine.
Molecular consequence: missense variant. On other transcripts: non-coding transcript variant (1), intron variant (1).
Genome position (GRCh38, 1-based): chr6:80,106,703, G>A. VCF-style: chr6-80106703-G-A. GRCh37 (hg19) VCF-style: chr6-80816420-G-A.
Other names: c.10G>A, p.Val4Ile (NM_000056.5); c.-15+20G>A (NM_001318975.1); short protein forms V4I.
Identifiers: ClinVar variation 966957 (VCV000966957.6), dbSNP rs774255890, ClinGen allele CA3902468.